The following is an entry in ClinVar:

ClinVar aggregate classification (germline): Uncertain significance (1 of 4 stars; one submission).

Conditions:
HTR2C-related disorder. Also called: HTR2C-related condition.

gnomAD v4.1: 16 of 1,208,802 alleles (0.0013%); highest among the groups gnomAD compares: Admixed American, 0.015%; no homozygotes.

Submission:

PreventionGenetics, part of Exact Sciences
Classification: Uncertain significance for HTR2C-related condition. Last evaluated: 2026-08-05. Review status: criteria provided, single submitter. Criteria: ACMG Guidelines, 2015. Collection method: clinical testing. Allele origin: germline.
Comment: The HTR2C c.749A>G variant is predicted to result in the amino acid substitution p.His250Arg. To our knowledge, this variant has not been reported in the literature. This variant is reported in 0.018% of alleles in individuals of Latino descent in gnomAD. Although we suspect that this variant may be benign, at this time, the clinical significance of this variant is uncertain due to the absence of conclusive functional and genetic evidence.

NM_000868.4(HTR2C):c.749A>G (p.His250Arg)

Genes: HTR2C (5-hydroxytryptamine receptor 2C; plus strand), LOC126863306 (MED14-independent group 3 enhancer GRCh37_chrX:114140926-114142125; plus strand). Cytogenetic location: Xq23.
Variant type: single nucleotide variant.
Coding change: c.749A>G on transcript NM_000868.4 (MANE Select); coding-DNA position 749, A replaced by G.
Protein change: p.His250Arg; replaces histidine 250 with arginine.
Molecular consequence: missense variant. On other transcripts: synonymous variant (1).
Genome position (GRCh38, 1-based): chrX:114,906,787, A>G. VCF-style: chrX-114906787-A-G. GRCh37 (hg19) VCF-style: chrX-114141350-A-G.
Other names: c.749A>G, p.His250Arg (NM_001256760.3); c.654A>G, p.Ala218= (NM_001256761.3); short protein forms H250R.
Identifiers: ClinVar variation 4988769 (VCV004988769.1).
Genomic context (GRCh38, chrX:114,906,787, plus strand): 5'-TGGTGATTACGTATTGCCTGACCATCTACGTTCTGCGCCGACAAGCTTTGATGTTACTGC[A>G]CGGCCACACCGAGGAACCGCCTGGACTAAGTCTGGATTTCCTGAAGTGCTGCAAGAGGAA-3'
Protein context (NP_000859.2, residues 240-260): VLRRQALMLL[His250Arg]GHTEEPPGLS